The following is an entry in ClinVar:

NM_000278.5(PAX2):c.616+5649A>C

Genes: PAX2 (paired box 2; plus strand), LOC110120845 (VISTA enhancer hs229; plus strand). Cytogenetic location: 10q24.31.
Variant type: single nucleotide variant.
Coding change: c.616+5649A>C on transcript NM_000278.5 (MANE Select); 5649 bases into the intron after coding-DNA position 616, A replaced by C.
Molecular consequence: intron variant.
Genome position (GRCh38, 1-based): chr10:100,787,014, A>C. VCF-style: chr10-100787014-A-C. GRCh37 (hg19) VCF-style: chr10-102546771-A-C.
Other names: c.709+5649A>C (NM_001304569.2); c.685+3A>C (NM_003987.5, NM_003990.5); c.616+5649A>C (NM_003988.5, NM_003989.5).
Identifiers: ClinVar variation 3236800 (VCV003236800.1), dbSNP rs2493066380.

ClinVar aggregate classification (germline): Uncertain significance (1 of 4 stars; one submission).

Conditions:
Focal segmental glomerulosclerosis 7 (FSGS7). Identifiers: Orphanet 656, MedGen C4014925, MONDO:0014451, OMIM 616002.

Submission:

MVZ Medizinische Genetik Mainz
Classification: Uncertain significance for Focal segmental glomerulosclerosis 7. Last evaluated: 2022-05-30. Review status: criteria provided, single submitter. Criteria: UK Practice Guidelines For Variant Classification V4 01 2020. Collection method: clinical testing. Allele origin: germline. Inheritance: Autosomal dominant inheritance. Observed: 1 variant allele.
Comment: ACMG Criteria: PM2_SUP, PP3